The following is an entry in ClinVar:

NM_001040108.2(MLH3):c.2079G>A (p.Met693Ile)

Gene: MLH3 (mutL homolog 3; minus strand). Cytogenetic location: 14q24.3.
Variant type: single nucleotide variant.
Coding change: c.2079G>A on transcript NM_001040108.2 (MANE Select); coding-DNA position 2079, G replaced by A.
Protein change: p.Met693Ile; replaces methionine 693 with isoleucine.
Molecular consequence: missense variant.
Genome position (GRCh38, 1-based): chr14:75,047,577, C>T on the plus strand (G>A on the coding strand, the complement: MLH3 is on the minus strand). VCF-style: chr14-75047577-C-T. GRCh37 (hg19) VCF-style: chr14-75514280-C-T.
Other names: c.2079G>A, p.Met693Ile (NM_014381.3); c.2079G>A (NM_001040108.1); short protein forms M693I.
Identifiers: ClinVar variation 1485378 (VCV001485378.10), dbSNP rs779177358, ClinGen allele CA7275763.
Genomic context (GRCh38, chr14:75,047,577, plus strand): 5'-TGTATCAGATAATATGCAATCTGTTTGTGATTTTTTGCTACCTTCCTGAAAAGCAGAAAA[C>T]ATTGTATAAGTTGCTGTAGGTTCATTCTCTAGCCCATAACTTATATTCGTTCTGCAATTT-3'
Protein context (NP_001035197.1, residues 683-703): LENEPTATYT[Met693Ile]FSAFQEGSKK

ClinVar aggregate classification (germline): Uncertain significance. Review status: criteria provided, multiple submitters, no conflicts (2 of 4 stars). 2 submissions from 2 submitters: Uncertain significance (2). Last evaluated 2025-11-12.

Conditions:
Colorectal cancer, hereditary nonpolyposis, type 7. Identifiers: Orphanet 144, MedGen C1858380, MONDO:0013725, OMIM 614385.

Allele frequency attached by ClinVar (database versions not stated): gnomAD exomes below 0.00001; ExAC 0.00001; gnomAD 0.00002; TOPMed 0.00003.
gnomAD v4.1: 7 of 1,613,848 alleles (0.00043%); highest among the groups gnomAD compares: Non-Finnish European, 0.00034%; no homozygotes.

Submissions (2):

Ambry Genetics
Classification: Uncertain significance. Last evaluated: 2025-11-12. Review status: criteria provided, single submitter. Criteria: Ambry Variant Classification Scheme 2023. Collection method: clinical testing. Allele origin: germline.

Labcorp Genetics (formerly Invitae), Labcorp
Classification: Uncertain significance for Colorectal cancer, hereditary nonpolyposis, type 7. Last evaluated: 2025-08-24. Review status: criteria provided, single submitter. Criteria: Invitae Variant Classification Sherloc (09022015). Collection method: clinical testing. Allele origin: germline.
Comment: This sequence change replaces methionine, which is neutral and non-polar, with isoleucine, which is neutral and non-polar, at codon 693 of the MLH3 protein (p.Met693Ile). This variant is present in population databases (rs779177358, gnomAD 0.0009%). This variant has not been reported in the literature in individuals affected with MLH3-related conditions. ClinVar contains an entry for this variant (Variation ID: 1485378). An algorithm developed to predict the effect of missense changes on protein structure and function (PolyPhen-2) suggests that this variant is likely to be tolerated. In summary, the available evidence is currently insufficient to determine the role of this variant in disease. Therefore, it has been classified as a Variant of Uncertain Significance.